The following is an entry in ClinVar:

ClinVar aggregate classification (germline): Uncertain significance (1 of 4 stars; one submission).

Submission:

GeneDx
Classification: Uncertain significance. Last evaluated: 2020-02-12. Review status: criteria provided, single submitter. Criteria: GeneDx Variant Classification Process June 2021. Collection method: clinical testing. Allele origin: germline. Affected: yes.
Comment: Not observed in large population cohorts (Lek et al., 2016); In silico analysis supports that this missense variant does not alter protein structure/function; Has not been previously published as pathogenic or benign to our knowledge

NM_182925.5(FLT4):c.166C>A (p.Pro56Thr)

Gene: FLT4 (fms related receptor tyrosine kinase 4; minus strand). Cytogenetic location: 5q35.3.
Variant type: single nucleotide variant.
Coding change: c.166C>A on transcript NM_182925.5 (MANE Select); coding-DNA position 166, C replaced by A.
Protein change: p.Pro56Thr; replaces proline 56 with threonine.
Molecular consequence: missense variant.
Genome position (GRCh38, 1-based): chr5:180,630,789, G>T on the plus strand (C>A on the coding strand, the complement: FLT4 is on the minus strand). VCF-style: chr5-180630789-G-T. GRCh37 (hg19) VCF-style: chr5-180057789-G-T.
Other names: c.166C>A, p.Pro56Thr (NM_001354989.2, NM_002020.5); short protein forms P56T.
Identifiers: ClinVar variation 1204162 (VCV001204162.3), dbSNP rs2127839394, ClinGen allele CA362507226.
Genomic context (GRCh38, chr5:180,630,789, plus strand): 5'-CGCTGTCCTTGTCTCCGGTGGCTGGCGCCTCCTGAGCTCCTGGCCAAGCCCACTCGAGGG[G>T]GTGCTGTCCCCTGGCAGAGGACAGGAGTGGTCAGGTGGGCCCCAGGGCAGCCCATGGGGA-3'
Protein context (NP_891555.2, residues 46-66): SLSISCRGQH[Pro56Thr]LEWAWPGAQE